The following is an entry in ClinVar:

ClinVar aggregate classification (germline): Uncertain significance (1 of 4 stars; one submission).

Conditions:
Immunodeficiency 51 (IMD51). Also called: CANDIDIASIS, FAMILIAL, 5. Identifiers: Orphanet 1334, MedGen C4310803, MONDO:0013500, OMIM 613953.

Allele frequency attached by ClinVar (database versions not stated): gnomAD 0.00001; gnomAD exomes 0.00001 and 0.00002; TOPMed 0.00002.
gnomAD v4.1: 22 of 1,609,096 alleles (0.0014%); highest among the groups gnomAD compares: Non-Finnish European, 0.0018%; no homozygotes.

Submission:

Labcorp Genetics (formerly Invitae), Labcorp
Classification: Uncertain significance for Immunodeficiency 51. Last evaluated: 2021-03-31. Review status: criteria provided, single submitter. Criteria: Invitae Variant Classification Sherloc (09022015). Collection method: clinical testing. Allele origin: germline.
Comment: This sequence change falls in intron 8 of the IL17RA gene. It does not directly change the encoded amino acid sequence of the IL17RA protein. It affects a nucleotide within the consensus splice site of the intron. This variant is not present in population databases (ExAC no frequency). In summary, the available evidence is currently insufficient to determine the role of this variant in disease. Therefore, it has been classified as a Variant of Uncertain Significance. Nucleotide substitutions within the consensus splice site are a relatively common cause of aberrant splicing (PMID: 17576681, 9536098). Algorithms developed to predict the effect of sequence changes on RNA splicing suggest that this variant is not likely to affect RNA splicing, but this prediction has not been confirmed by published transcriptional studies. This variant has not been reported in the literature in individuals with IL17RA-related conditions.

Literature cited by the submitters: PubMed 17576681; PubMed 9536098.

NM_014339.7(IL17RA):c.846+4G>A

Gene: IL17RA (interleukin 17 receptor A; plus strand). Cytogenetic location: 22q11.1.
Variant type: single nucleotide variant.
Coding change: c.846+4G>A on transcript NM_014339.7 (MANE Select); 4 bases into the intron after coding-DNA position 846, G replaced by A.
Molecular consequence: intron variant.
Genome position (GRCh38, 1-based): chr22:17,103,581, G>A. VCF-style: chr22-17103581-G-A. GRCh37 (hg19) VCF-style: chr22-17584471-G-A.
Other names: c.846+4G>A (NM_001289905.2).
Identifiers: ClinVar variation 1514422 (VCV001514422.4), dbSNP rs1486517273, ClinGen allele CA638279657.